The following is an entry in ClinVar:

ClinVar aggregate classification (germline): Uncertain significance (1 of 4 stars; one submission).

Conditions:
Fibrous dysplasia of jaw (CRBM). Also called: Cherubism. Identifiers: Orphanet 184, MedGen C0008029, MONDO:0007315, OMIM 118400.

Allele frequency attached by ClinVar (database versions not stated): gnomAD exomes below 0.00001; ExAC 0.00003; TOPMed 0.00001; gnomAD 0.00001.

Submission:

Labcorp Genetics (formerly Invitae), Labcorp
Classification: Uncertain significance for Fibrous dysplasia of jaw. Last evaluated: 2025-06-23. Review status: criteria provided, single submitter. Criteria: Invitae Variant Classification Sherloc (09022015). Collection method: clinical testing. Allele origin: germline.
Comment: This sequence change replaces glutamic acid, which is acidic and polar, with glutamine, which is neutral and polar, at codon 406 of the SH3BP2 protein (p.Glu406Gln). This variant is present in population databases (rs763389806, gnomAD 0.02%). This variant has not been reported in the literature in individuals affected with SH3BP2-related conditions. ClinVar contains an entry for this variant (Variation ID: 2971337). Invitae Evidence Modeling of protein sequence and biophysical properties (such as structural, functional, and spatial information, amino acid conservation, physicochemical variation, residue mobility, and thermodynamic stability) has been performed for this missense variant. However, the output from this modeling did not meet the statistical confidence thresholds required to predict the impact of this variant on SH3BP2 protein function. In summary, the available evidence is currently insufficient to determine the role of this variant in disease. Therefore, it has been classified as a Variant of Uncertain Significance.

NM_001122681.2(SH3BP2):c.1216G>C (p.Glu406Gln)

Gene: SH3BP2 (SH3 domain binding protein 2; plus strand). Cytogenetic location: 4p16.3.
Variant type: single nucleotide variant.
Coding change: c.1216G>C on transcript NM_001122681.2 (MANE Select); coding-DNA position 1216, G replaced by C.
Protein change: p.Glu406Gln; replaces glutamic acid 406 with glutamine.
Molecular consequence: missense variant.
Genome position (GRCh38, 1-based): chr4:2,830,122, G>C. VCF-style: chr4-2830122-G-C. GRCh37 (hg19) VCF-style: chr4-2831849-G-C.
Other names: c.1300G>C, p.Glu434Gln (NM_001145855.2); c.1387G>C, p.Glu463Gln (NM_001145856.2); c.1216G>C, p.Glu406Gln (NM_003023.4); short protein forms E406Q, E463Q, E434Q.
Identifiers: ClinVar variation 2971337 (VCV002971337.3), dbSNP rs763389806, ClinGen allele CA2819418.